The following is an entry in ClinVar:

NM_006662.3(SRCAP):c.5707C>T (p.Arg1903Trp)

Gene: SRCAP (Snf2 related CREBBP activator protein; plus strand). Cytogenetic location: 16p11.2.
Variant type: single nucleotide variant.
Coding change: c.5707C>T on transcript NM_006662.3 (MANE Select); coding-DNA position 5707, C replaced by T.
Protein change: p.Arg1903Trp; replaces arginine 1903 with tryptophan.
Molecular consequence: missense variant.
Genome position (GRCh38, 1-based): chr16:30,729,014, C>T. VCF-style: chr16-30729014-C-T. GRCh37 (hg19) VCF-style: chr16-30740335-C-T.
Other names: c.5707C>T (NM_006662.2); short protein forms R1903W.
Identifiers: ClinVar variation 1445726 (VCV001445726.8), dbSNP rs74015039, ClinGen allele CA8012070.

ClinVar aggregate classification (germline): Conflicting classifications of pathogenicity. Review status: criteria provided, conflicting classifications (1 of 4 stars). 3 submissions from 3 submitters: Uncertain significance (2); Likely benign (1). Last evaluated 2025-09-29.

Conditions:
Developmental delay, hypotonia, musculoskeletal defects, and behavioral abnormalities. Identifiers: MedGen C5562012, MONDO:0859202, OMIM 619595.
Floating-Harbor syndrome (FLHS). Also called: SRCAP-Related Floating-Harbor Syndrome; Short stature with delayed bone age, expressive language delay, a triangular face with a prominent nose and deep-set eyes; Pelletier-Leisti syndrome. Identifiers: Orphanet 2044, MedGen C0729582, MONDO:0007621, OMIM 136140.
Inborn genetic diseases. Identifiers: MedGen C0950123, MeSH D030342.

Allele frequency attached by ClinVar (database versions not stated): ExAC 0.00002; gnomAD exomes 0.00002 and 0.00005; TOPMed 0.00003; gnomAD 0.00006 and 0.00007; 1000 Genomes Project 30x 0.00016; 1000 Genomes Project 0.00020.

Submissions (3):

Labcorp Genetics (formerly Invitae), Labcorp
Classification: Uncertain significance. Last evaluated: 2025-09-29. Review status: criteria provided, single submitter. Criteria: Invitae Variant Classification Sherloc (09022015). Collection method: clinical testing. Allele origin: germline.
Comment: This sequence change replaces arginine, which is basic and polar, with tryptophan, which is neutral and slightly polar, at codon 1903 of the SRCAP protein (p.Arg1903Trp). This variant is present in population databases (rs74015039, gnomAD 0.02%). This variant has not been reported in the literature in individuals affected with SRCAP-related conditions. ClinVar contains an entry for this variant (Variation ID: 1445726). Invitae Evidence Modeling of protein sequence and biophysical properties (such as structural, functional, and spatial information, amino acid conservation, physicochemical variation, residue mobility, and thermodynamic stability) indicates that this missense variant is not expected to disrupt SRCAP protein function with a negative predictive value of 80%. In summary, the available evidence is currently insufficient to determine the role of this variant in disease. Therefore, it has been classified as a Variant of Uncertain Significance.

Ambry Genetics
Classification: Likely benign for Inborn genetic diseases. Last evaluated: 2024-02-17. Review status: criteria provided, single submitter. Criteria: Ambry Variant Classification Scheme 2023. Collection method: clinical testing. Allele origin: germline.

Fulgent Genetics
Classification: Uncertain significance for Floating-Harbor syndrome; Developmental delay, hypotonia, musculoskeletal defects, and behavioral abnormalities. Last evaluated: 2021-10-06. Review status: criteria provided, single submitter. Criteria: ACMG Guidelines, 2015. Collection method: clinical testing. Allele origin: unknown.